The following is an entry in ClinVar:

NM_021830.5(TWNK):c.1106C>A (p.Ser369Tyr)

Gene: TWNK (twinkle mtDNA helicase; plus strand). Cytogenetic location: 10q24.31.
Variant type: single nucleotide variant.
Coding change: c.1106C>A on transcript NM_021830.5 (MANE Select); coding-DNA position 1106, C replaced by A.
Protein change: p.Ser369Tyr; replaces serine 369 with tyrosine.
Molecular consequence: missense variant. On other transcripts: non-coding transcript variant (4), intron variant (3).
Genome position (GRCh38, 1-based): chr10:100,989,316, C>A. VCF-style: chr10-100989316-C-A. GRCh37 (hg19) VCF-style: chr10-102749073-C-A.
Other names: c.1106C>A (NM_021830.4); c.1106C>A, p.Ser369Tyr (NM_001163812.2); c.-119-328C>A (NM_001163814.2, NM_001163813.2); c.-57-390C>A (NM_001368275.1); short protein forms S369Y.
Identifiers: ClinVar variation 4624 (VCV000004624.3), dbSNP rs111033579, ClinGen allele CA116967.

ClinVar aggregate classification (germline): Pathogenic. Review status: criteria provided, multiple submitters, no conflicts (2 of 4 stars). 3 submissions from 3 submitters: Pathogenic (2). 1 of the submissions does not count toward it. Last evaluated 2024-06-10.

Conditions:
Progressive external ophthalmoplegia with mitochondrial DNA deletions, autosomal dominant 3. Also called: PROGRESSIVE EXTERNAL OPHTHALMOPLEGIA, AUTOSOMAL DOMINANT 3. Identifiers: MedGen C1836439, MONDO:0012241, OMIM 609286.

Submissions (3):

Women's Health and Genetics/Laboratory Corporation of America, LabCorp
Classification: Pathogenic for Progressive external ophthalmoplegia with mitochondrial DNA deletions, autosomal dominant 3. Last evaluated: 2024-06-10. Review status: criteria provided, single submitter. Criteria: LabCorp Variant Classification Summary - May 2015. Collection method: clinical testing. Allele origin: germline.
Comment: Variant summary: TWNK c.1106C>A (p.Ser369Tyr) results in a non-conservative amino acid change in the encoded protein sequence. Five of five in-silico tools predict a damaging effect of the variant on protein function. The variant was absent in 251358 control chromosomes (gnomAD). c.1106C>A has been reported in the literature in multiple individuals affected with autosomal dominant progressive external ophthalmoplegia and in two affected families it has been shown to segregate with the disease (example: Lewis _2002, Davis_2022). These data indicate that the variant is very likely to be associated with disease. The following publications have been ascertained in the context of this evaluation (PMID: 12163192, 35641312, 20659899). ClinVar contains an entry for this variant (Variation ID: 4624). Based on the evidence outlined above, the variant was classified as pathogenic.

Victorian Clinical Genetics Services, Murdoch Childrens Research Institute
Classification: Pathogenic for Progressive external ophthalmoplegia with mitochondrial DNA deletions, autosomal dominant 3. Last evaluated: 2022-09-02. Review status: criteria provided, single submitter. Criteria: ACMG Guidelines, 2015. Collection method: clinical testing. Allele origin: germline. Inheritance: Autosomal dominant inheritance.
Comment: Based on the classification scheme VCGS_Germline_v1.3.4, this variant is classified as a Pathogenic. Following criteria are met: 0103 - Dominant negative and loss of function are known mechanisms of disease in this gene and are associated with progressive external ophthalmoplegia with mitochondrial DNA deletions 3 (MIM#609286), mitochondrial DNA depletion syndrome 7 (hepatocerebral type) (MIM#271245) and Perrault syndrome 5 (MIM#616138) (PMID: 18971204). (I) 0108 - This gene is associated with both recessive and dominant disease. Mitochondrial DNA depletion syndrome 7 (hepatocerebral type) (MIM#271245) and Perrault syndrome 5 (MIM#616138) are inherited in a recessive manner, whereas progressive external ophthalmoplegia with mitochondrial DNA deletions 3 (MIM#609286) is a dominant condition (OMIM). (I) 0200 - Variant is predicted to result in a missense amino acid change from serine to tyrosine. (I) 0251 - This variant is heterozygous. (I) 0301 - Variant is absent from gnomAD (both v2 and v3). (SP) 0309 - An alternative amino acid change at the same position has been observed in gnomAD (v2) (1 heterozygote, 0 homozygotes). (I) 0501 - Missense variant consistently predicted to be damaging by multiple in silico tools or highly conserved with a major amino acid change. (SP) 0600 - Variant is located in the linker region (PMID: 12163192). (I) 0704 - Another missense variant comparable to the one identified in this case has limited previous evidence for pathogenicity. An alternative change to a proline has been reported in three affected family members with progressive external ophthalmoplegia from one family (PMID: 11431692). (SP) 0803 - This variant has limited previous evidence of pathogenicity. This variant has been reported in multiple individuals with progressive external ophthalmoplegia from one family (PMID: 12163192). (SP) 0901 - This variant has strong evidence for segregation with disease (PMID: 12163192). (SP) 1208 - Inheritance information for this variant is not currently available in this individual. (I) Legend: (SP) - Supporting pathogenic, (I) - Information, (SB) - Supporting benign

OMIM
Classification: Pathogenic for PROGRESSIVE EXTERNAL OPHTHALMOPLEGIA WITH MITOCHONDRIAL DNA DELETIONS, AUTOSOMAL DOMINANT 3. Last evaluated: 2002-09-15. Review status: no assertion criteria provided. Collection method: literature only. Allele origin: germline. Not counted in ClinVar's aggregate classification.

Literature cited by the submitters: PubMed 35641312 (cited by Women's Health and Genetics/Laboratory Corporation of America, LabCorp); PubMed 12163192 (cited by 3 submitters); PubMed 20659899 (cited by Women's Health and Genetics/Laboratory Corporation of America, LabCorp); PubMed 11431692 (cited by Victorian Clinical Genetics Services, Murdoch Childrens Research Institute); PubMed 18971204 (cited by Victorian Clinical Genetics Services, Murdoch Childrens Research Institute).